The following is an entry in ClinVar:

ClinVar aggregate classification (germline): Uncertain significance. Review status: criteria provided, multiple submitters, no conflicts (2 of 4 stars). 2 submissions from 2 submitters: Uncertain significance (2). Last evaluated 2024-05-01.

Conditions:
Inborn genetic diseases. Identifiers: MedGen C0950123, MeSH D030342.

Allele frequency attached by ClinVar (database versions not stated): gnomAD exomes 0.00001; ExAC 0.00003; gnomAD 0.00011; 1000 Genomes Project 30x 0.00016; 1000 Genomes Project 0.00020.

Submissions (2):

Ambry Genetics
Classification: Uncertain significance for Inborn genetic diseases. Last evaluated: 2024-05-01. Review status: criteria provided, single submitter. Criteria: Ambry Variant Classification Scheme 2023. Collection method: clinical testing. Allele origin: germline.

Mayo Clinic Laboratories, Mayo Clinic
Classification: Uncertain significance. Last evaluated: 2022-02-25. Review status: criteria provided, single submitter. Criteria: ACMG Guidelines, 2015. Collection method: clinical testing. Allele origin: germline. Observed: 1 variant allele.
Comment: PM2

NM_000380.4(XPA):c.353T>C (p.Met118Thr)

Gene: XPA (XPA, DNA damage recognition and repair factor; minus strand). Cytogenetic location: 9q22.33.
Variant type: single nucleotide variant.
Coding change: c.353T>C on transcript NM_000380.4 (MANE Select); coding-DNA position 353, T replaced by C.
Protein change: p.Met118Thr; replaces methionine 118 with threonine.
Molecular consequence: missense variant. On other transcripts: non-coding transcript variant (2).
Genome position (GRCh38, 1-based): chr9:97,689,570, A>G on the plus strand (T>C on the coding strand, the complement: XPA is on the minus strand). VCF-style: chr9-97689570-A-G. GRCh37 (hg19) VCF-style: chr9-100451852-A-G.
Other names: p.Met118Thr; c.227T>C, p.Met76Thr (NM_001354975.2); short protein forms M118T, M76T.
Identifiers: ClinVar variation 2683054 (VCV002683054.2), dbSNP rs574811302, ClinGen allele CA5148837.